The following is an entry in ClinVar:

ClinVar aggregate classification (germline): Uncertain significance (1 of 4 stars; one submission).

Conditions:
Left ventricular noncompaction 10 (LVNC10). Identifiers: Orphanet 154, Orphanet 54260, MedGen C3715165, MONDO:0014163, OMIM 615396.

Submission:

Baylor Genetics
Classification: Uncertain significance for Left ventricular noncompaction 10. Last evaluated: 2020-06-03. Review status: criteria provided, single submitter. Criteria: ACMG Guidelines, 2015. Collection method: clinical testing. Allele origin: unknown. Affected: yes.
Comment: This variant was determined to be of uncertain significance according to ACMG Guidelines, 2015 [PMID:25741868].

NM_000256.3(MYBPC3):c.1234T>C (p.Phe412Leu)

Gene: MYBPC3 (myosin binding protein C3; minus strand). Cytogenetic location: 11p11.2.
Variant type: single nucleotide variant.
Coding change: c.1234T>C on transcript NM_000256.3 (MANE Select); coding-DNA position 1234, T replaced by C.
Protein change: p.Phe412Leu; replaces phenylalanine 412 with leucine.
Molecular consequence: missense variant.
Genome position (GRCh38, 1-based): chr11:47,343,138, A>G on the plus strand (T>C on the coding strand, the complement: MYBPC3 is on the minus strand). VCF-style: chr11-47343138-A-G. GRCh37 (hg19) VCF-style: chr11-47364689-A-G.
Other names: short protein forms F412L.
Identifiers: ClinVar variation 1028162 (VCV001028162.1), dbSNP rs2095890795, ClinGen allele CA380327722.